The following is an entry in ClinVar:

ClinVar aggregate classification (germline): Uncertain significance. Review status: criteria provided, multiple submitters, no conflicts (2 of 4 stars). 2 submissions from 2 submitters: Uncertain significance (2). Last evaluated 2026-03-24.

Conditions:
Hereditary cancer-predisposing syndrome. Also called: Neoplastic Syndromes, Hereditary; Tumor predisposition; Hereditary Cancer Syndrome; Hereditary neoplastic syndrome. Identifiers: Orphanet 140162, MedGen C0027672, MeSH D009386, MONDO:0015356.

Submissions (2):

Ambry Genetics
Classification: Uncertain significance for Hereditary cancer-predisposing syndrome. Last evaluated: 2026-03-24. Review status: criteria provided, single submitter. Criteria: Ambry Variant Classification Scheme 2023. Collection method: clinical testing. Allele origin: germline.
Comment: The p.V472A variant (also known as c.1415T>C), located in coding exon 9 of the MSH3 gene, results from a T to C substitution at nucleotide position 1415. The valine at codon 472 is replaced by alanine, an amino acid with similar properties. This amino acid position is conserved. In addition, the in silico prediction for this alteration is inconclusive. Based on the available evidence, the clinical significance of this variant remains unclear.

Labcorp Genetics (formerly Invitae), Labcorp
Classification: Uncertain significance. Last evaluated: 2025-12-19. Review status: criteria provided, single submitter. Criteria: Invitae Variant Classification Sherloc (09022015). Collection method: clinical testing. Allele origin: germline.
Comment: This sequence change replaces valine, which is neutral and non-polar, with alanine, which is neutral and non-polar, at codon 472 of the MSH3 protein (p.Val472Ala). This variant is not present in population databases (gnomAD no frequency). This variant has not been reported in the literature in individuals affected with MSH3-related conditions. An algorithm developed to predict the effect of missense changes on protein structure and function (PolyPhen-2) suggests that this variant is likely to be disruptive. In summary, the available evidence is currently insufficient to determine the role of this variant in disease. Therefore, it has been classified as a Variant of Uncertain Significance.

NM_002439.5(MSH3):c.1415T>C (p.Val472Ala)

Gene: MSH3 (mutS homolog 3; plus strand). Cytogenetic location: 5q14.1.
Variant type: single nucleotide variant.
Coding change: c.1415T>C on transcript NM_002439.5 (MANE Select); coding-DNA position 1415, T replaced by C.
Protein change: p.Val472Ala; replaces valine 472 with alanine.
Molecular consequence: missense variant.
Genome position (GRCh38, 1-based): chr5:80,725,527, T>C. VCF-style: chr5-80725527-T-C. GRCh37 (hg19) VCF-style: chr5-80021346-T-C.
Other names: c.1415T>C (NM_002439.3); short protein forms V472A.
Identifiers: ClinVar variation 4711062 (VCV004711062.2).
Genomic context (GRCh38, chr5:80,725,527, plus strand): 5'-GAATTCGAGTCGAAAGGATGGATAACATTTATTTTGAATACAGCCATGCTTTCCAGGCAG[T>C]TACAGAGTTTTATGCAAAAGATACAGTTGACATCAAAGGTAAATATTTTCCCTGTATGTC-3'
Protein context (NP_002430.3, residues 462-482): YFEYSHAFQA[Val472Ala]TEFYAKDTVD